The following is an entry in ClinVar:

ClinVar aggregate classification (germline): Uncertain significance (1 of 4 stars; one submission).

Submission:

Labcorp Genetics (formerly Invitae), Labcorp
Classification: Uncertain significance. Last evaluated: 2022-04-18. Review status: criteria provided, single submitter. Criteria: Invitae Variant Classification Sherloc (09022015). Collection method: clinical testing. Allele origin: germline.
Comment: This variant, c.366_401dup, results in the insertion of 12 amino acid(s) of the MBTPS2 protein (p.Ser125_Ser136dup), but otherwise preserves the integrity of the reading frame. This variant is not present in population databases (gnomAD no frequency). This variant has not been reported in the literature in individuals affected with MBTPS2-related conditions. Experimental studies and prediction algorithms are not available or were not evaluated, and the functional significance of this variant is currently unknown. In summary, the available evidence is currently insufficient to determine the role of this variant in disease. Therefore, it has been classified as a Variant of Uncertain Significance.

NM_015884.4(MBTPS2):c.366_401dup (p.Ser136_Leu137insSerSerSerSerSerSerSerSerSerSerSerSer)

Gene: MBTPS2 (membrane bound transcription factor peptidase, site 2; plus strand). Cytogenetic location: Xp22.12.
Variant type: Duplication.
Coding change: c.366_401dup on transcript NM_015884.4 (MANE Select); coding-DNA positions 366 to 401, 36 bases duplicated.
Protein change: p.Ser136_Leu137insSerSerSerSerSerSerSerSerSerSerSerSer.
Molecular consequence: inframe insertion.
Genome position (GRCh38, 1-based): chrX:21,845,312-21,845,347, 36 bases duplicated; duplicating any 36 consecutive bases within chrX:21,845,304-21,845,347 gives the same sequence; the c. name uses the placement nearest the transcript's 3' end. GRCh37 (hg19): chrX:21,863,430-21,863,465.
Identifiers: ClinVar variation 2127698 (VCV002127698.4), dbSNP rs2519556519, ClinGen allele CA2580100457.